The following is an entry in ClinVar:

ClinVar aggregate classification (germline): Uncertain significance (1 of 4 stars; one submission).

Conditions:
Distal myopathy with posterior leg and anterior hand involvement. Also called: WILLIAMS DISTAL MYOPATHY. Identifiers: Orphanet 63273, MedGen C3279722, MONDO:0013550, OMIM 614065.
Myofibrillar myopathy 5. Also called: Filaminopathy (type); FILAMINOPATHY, AUTOSOMAL DOMINANT. Identifiers: Orphanet 171445, MedGen C1836050, MONDO:0012289, OMIM 609524.
Hypertrophic cardiomyopathy 26. Also called: Cardiomyopathy, familial hypertrophic, 26. Identifiers: Orphanet 75249, MedGen C4310749, MONDO:0014883, OMIM 617047.

Submission:

Labcorp Genetics (formerly Invitae), Labcorp
Classification: Uncertain significance for Distal myopathy with posterior leg and anterior hand involvement; Myofibrillar myopathy 5; Hypertrophic cardiomyopathy 26. Last evaluated: 2025-09-14. Review status: criteria provided, single submitter. Criteria: Invitae Variant Classification Sherloc (09022015). Collection method: clinical testing. Allele origin: germline.
Comment: This sequence change replaces threonine, which is neutral and polar, with isoleucine, which is neutral and non-polar, at codon 299 of the FLNC protein (p.Thr299Ile). The frequency data for this variant in the population databases is considered unreliable, as metrics indicate poor data quality at this position in the gnomAD database. This variant has not been reported in the literature in individuals affected with FLNC-related conditions. ClinVar contains an entry for this variant (Variation ID: 583326). An algorithm developed to predict the effect of missense changes on protein structure and function (PolyPhen-2) suggests that this variant is likely to be tolerated. In summary, the available evidence is currently insufficient to determine the role of this variant in disease. Therefore, it has been classified as a Variant of Uncertain Significance.

NM_001458.5(FLNC):c.896_897delinsTT (p.Thr299Ile)

Gene: FLNC (filamin C; plus strand). Cytogenetic location: 7q32.1.
Variant type: Indel.
Coding change: c.896_897delinsTT on transcript NM_001458.5 (MANE Select); coding-DNA positions 896 to 897, CC replaced by TT.
Protein change: p.Thr299Ile; replaces threonine 299 with isoleucine.
Molecular consequence: missense variant.
Genome position (GRCh38, 1-based): chr7:128,837,682-128,837,683, CC replaced by TT. VCF-style: chr7-128837682-CC-TT. GRCh37 (hg19) VCF-style: chr7-128477736-CC-TT.
Other names: c.896_897delinsTT, p.Thr299Ile (NM_001127487.2); c.896_897delCCinsTT (NM_001458.4); short protein forms T299I.
Identifiers: ClinVar variation 583326 (VCV000583326.9), dbSNP rs1562992080, ClinGen allele CA891842656.